The following is an entry in ClinVar:

NM_022454.4(SOX17):c.274G>A (p.Asp92Asn)

Gene: SOX17 (SRY-box transcription factor 17; plus strand). Cytogenetic location: 8q11.23.
Variant type: single nucleotide variant.
Coding change: c.274G>A on transcript NM_022454.4 (MANE Select); coding-DNA position 274, G replaced by A.
Protein change: p.Asp92Asn; replaces aspartic acid 92 with asparagine.
Molecular consequence: missense variant.
Genome position (GRCh38, 1-based): chr8:54,458,412, G>A. VCF-style: chr8-54458412-G-A. GRCh37 (hg19) VCF-style: chr8-55370972-G-A.
Other names: c.274G>A (NM_022454.3); short protein forms D92N.
Identifiers: ClinVar variation 4741785 (VCV004741785.3).
Genomic context (GRCh38, chr8:54,458,412, plus strand): 5'-ATGAACGCTTTCATGGTGTGGGCTAAGGACGAGCGCAAGCGGCTGGCGCAGCAGAATCCA[G>A]ACCTGCACAACGCCGAGTTGAGCAAGATGCTGGGTGAGTCCGAGTCGCAGACCCAGGCGG-3'
Protein context (NP_071899.1, residues 82-102): ERKRLAQQNP[Asp92Asn]LHNAELSKML

ClinVar aggregate classification (germline): Uncertain significance. Review status: criteria provided, multiple submitters, no conflicts (2 of 4 stars). 3 submissions from 3 submitters: Uncertain significance (3). Last evaluated 2026-04-10.

Conditions:
Pulmonary hypertension, primary, 7. Identifiers: MedGen C6012740, MONDO:0979237, OMIM 621248.

Submissions (3):

Department of Human Genetics, Hannover Medical School
Classification: Uncertain significance for Pulmonary hypertension, primary, 7. Last evaluated: 2026-04-10. Review status: criteria provided, single submitter. Criteria: ACMG Guidelines, 2015. Collection method: clinical testing. Allele origin: germline. Inheritance: Autosomal dominant inheritance. Affected: yes.
Comment: PS2_Moderate, PM1, PM2_Supporting

GeneDx
Classification: Uncertain significance. Last evaluated: 2026-03-10. Review status: criteria provided, single submitter. Criteria: GeneDx Variant Classification Process June 2021. Collection method: clinical testing. Allele origin: germline.
Comment: Not observed at significant frequency in large population cohorts (gnomAD); In silico analysis supports that this missense variant has a deleterious effect on protein structure/function; Has not been previously published as pathogenic or benign to our knowledge

Labcorp Genetics (formerly Invitae), Labcorp
Classification: Uncertain significance. Last evaluated: 2025-12-23. Review status: criteria provided, single submitter. Criteria: Invitae Variant Classification Sherloc (09022015). Collection method: clinical testing. Allele origin: germline.
Comment: This sequence change replaces aspartic acid, which is acidic and polar, with asparagine, which is neutral and polar, at codon 92 of the SOX17 protein (p.Asp92Asn). This variant is not present in population databases (gnomAD no frequency). This variant has not been reported in the literature in individuals affected with SOX17-related conditions. Invitae Evidence Modeling of protein sequence and biophysical properties (such as structural, functional, and spatial information, amino acid conservation, physicochemical variation, residue mobility, and thermodynamic stability) has been performed for this missense variant. However, the output from this modeling did not meet the statistical confidence thresholds required to predict the impact of this variant on SOX17 protein function. In summary, the available evidence is currently insufficient to determine the role of this variant in disease. Therefore, it has been classified as a Variant of Uncertain Significance.